The following is an entry in ClinVar:

NM_001267550.2(TTN):c.106175C>A (p.Thr35392Asn)

Genes: TTN (titin; minus strand), TTN-AS1 (TTN antisense RNA 1; plus strand), LOC129935182 (ATAC-STARR-seq lymphoblastoid active region 16807; plus strand). Cytogenetic location: 2q31.2.
Variant type: single nucleotide variant.
Coding change: c.106175C>A on transcript NM_001267550.2 (MANE Select); coding-DNA position 106175, C replaced by A.
Protein change: p.Thr35392Asn; replaces threonine 35392 with asparagine.
Molecular consequence: missense variant.
Genome position (GRCh38, 1-based): chr2:178,530,440, G>T on the plus strand (C>A on the coding strand, the complement: TTN is on the minus strand). VCF-style: chr2-178530440-G-T. GRCh37 (hg19) VCF-style: chr2-179395167-G-T.
Other names: c.101252C>A, p.Thr33751Asn (NM_001256850.1); c.78980C>A, p.Thr26327Asn (NM_003319.4); c.98471C>A, p.Thr32824Asn (NM_133378.4); c.79355C>A, p.Thr26452Asn (NM_133432.3); c.79556C>A, p.Thr26519Asn (NM_133437.4); short protein forms T35392N, T26452N, T33751N, T26327N, T26519N, T32824N.
Identifiers: ClinVar variation 4792496 (VCV004792496.1).

ClinVar aggregate classification (germline): Uncertain significance (1 of 4 stars; one submission).

Conditions:
Autosomal recessive limb-girdle muscular dystrophy type 2J (LGMDR10). Also called: Limb-girdle muscular dystrophy, type 2J; MUSCULAR DYSTROPHY, LIMB-GIRDLE, AUTOSOMAL RECESSIVE 10. Identifiers: Orphanet 140922, MedGen C1837342, MONDO:0012127, OMIM 608807.
Dilated cardiomyopathy 1G (CMD1G). Identifiers: Orphanet 154, MedGen C1858763, MONDO:0011400, OMIM 604145.

Submission:

Labcorp Genetics (formerly Invitae), Labcorp
Classification: Uncertain significance for Dilated cardiomyopathy 1G; Autosomal recessive limb-girdle muscular dystrophy type 2J. Last evaluated: 2026-01-28. Review status: criteria provided, single submitter. Criteria: Invitae Variant Classification Sherloc (09022015). Collection method: clinical testing. Allele origin: germline.
Comment: This sequence change replaces threonine, which is neutral and polar, with asparagine, which is neutral and polar, at codon 35392 of the TTN protein (p.Thr35392Asn). This variant is not present in population databases (gnomAD no frequency). This variant has not been reported in the literature in individuals affected with TTN-related conditions. Experimental studies and prediction algorithms are not available or were not evaluated, and the functional significance of this variant is currently unknown. This variant is located in the M band of TTN (PMID: 25589632). Non-truncating variants in this region may be relevant for neuromuscular disorders, but have not been definitively shown to cause cardiomyopathy (PMID: 23975875). In summary, the available evidence is currently insufficient to determine the role of this variant in disease. Therefore, it has been classified as a Variant of Uncertain Significance.

Literature cited by the submitters: PubMed 25589632; PubMed 23975875.